The following is an entry in ClinVar:

ClinVar aggregate classification (germline): Benign. Review status: criteria provided, multiple submitters, no conflicts (2 of 4 stars). 2 submissions from 2 submitters: Benign (2). Last evaluated 2018-06-14.

Allele frequency attached by ClinVar (database versions not stated): gnomAD 0.99986; TOPMed 0.99988; gnomAD exomes 0.99996; 1000 Genomes Project 1.00000; 1000 Genomes Project 30x 1.00000.
gnomAD v4.1: 764,139 of 764,188 alleles (100%); highest among the groups gnomAD compares: Middle Eastern, 100%; 382,045 homozygotes.

Submissions (2):

GeneDx
Classification: Benign. Last evaluated: 2018-06-14. Review status: criteria provided, single submitter. Criteria: GeneDx Variant Classification (06012015). Collection method: clinical testing. Allele origin: germline. Affected: yes.
Comment: This variant is considered likely benign or benign based on one or more of the following criteria: it is a conservative change, it occurs at a poorly conserved position in the protein, it is predicted to be benign by multiple in silico algorithms, and/or has population frequency not consistent with disease.

Breakthrough Genomics
Classification: Benign. Review status: criteria provided, single submitter. Criteria: ACMG Guidelines, 2015. Collection method: not provided. Allele origin: germline. Inheritance: Autosomal dominant inheritance. Affected: yes.

NM_001103.4(ACTN2):c.698-1302A>G

Gene: ACTN2 (actinin alpha 2; plus strand). Cytogenetic location: 1q43.
Variant type: single nucleotide variant.
Coding change: c.698-1302A>G on transcript NM_001103.4 (MANE Select); 1302 bases into the intron before coding-DNA position 698, A replaced by G.
Molecular consequence: intron variant.
Genome position (GRCh38, 1-based): chr1:236,734,333, A>G. VCF-style: chr1-236734333-A-G. GRCh37 (hg19) VCF-style: chr1-236897633-A-G.
Other names: c.-124-100A>G (NM_001278344.2); c.698-100A>G (NM_001278343.2).
Identifiers: ClinVar variation 672003 (VCV000672003.2), dbSNP rs707203, ClinGen allele CA39721343.